The following is an entry in ClinVar:

NM_000152.5(GAA):c.1726G>C (p.Gly576Arg)

Gene: GAA (alpha glucosidase; plus strand). Cytogenetic location: 17q25.3.
Variant type: single nucleotide variant.
Coding change: c.1726G>C on transcript NM_000152.5 (MANE Select); coding-DNA position 1726, G replaced by C.
Protein change: p.Gly576Arg; replaces glycine 576 with arginine.
Molecular consequence: missense variant.
Genome position (GRCh38, 1-based): chr17:80,112,072, G>C. VCF-style: chr17-80112072-G-C. GRCh37 (hg19) VCF-style: chr17-78085871-G-C.
Other names: c.1726G>C, p.Gly576Arg (NM_001079803.3, NM_001079804.3, NM_001406741.1 and 1 more transcripts); short protein forms G576R.
Identifiers: ClinVar variation 4876520 (VCV004876520.1).
Genomic context (GRCh38, chr17:80,112,072, plus strand): 5'-ACCATCTGTGCCTCCAGCCACCAGTTTCTCTCCACACACTACAACCTGCACAACCTCTAC[G>C]GCCTGACCGAAGCCATCGCCTCCCACAGGTGAGGGCCACGTCCCGCCCCACTGGGCTCTG-3'
Protein context (NP_000143.2, residues 566-586): STHYNLHNLY[Gly576Arg]LTEAIASHRA

ClinVar aggregate classification (germline): Likely pathogenic (1 of 4 stars; one submission).

Conditions:
Glycogen storage disease, type II (IOPD). Also called: Pompe Disease; CARDIOMEGALIA GLYCOGENICA DIFFUSA; GLYCOGENOSIS, GENERALIZED, CARDIAC FORM; GSD II; POMPE DISEASE, INFANTILE-ONSET; GLYCOGEN STORAGE DISEASE II, INFANTILE-ONSET. Identifiers: Orphanet 365, MedGen C0017921, MONDO:0009290, OMIM 232300.

gnomAD v4.1: 1 of 1,613,972 alleles (0.000062%); highest among the groups gnomAD compares: African/African-American, 0.0013%; no homozygotes.

Submission:

Genomenon, Inc
Classification: Likely pathogenic for Glycogen storage disease, type II. Last evaluated: 2026-07-01. Review status: criteria provided, single submitter. Criteria: Genomenon Sequence Variant Interpretation Standards - Updated. Collection method: curation. Allele origin: germline. Affected: yes.
Comment: GAA p.Gly576Arg (c.1726G>C) is a missense variant that changes the amino acid at codon 576 from Glycine to Arginine. This variant has been observed in at least one proband with a GAA-related disorder in the compound heterozygous and/or homozygous state (PMID:33168984). At least one functional study has demonstrated a substantial alteration in protein function relative to the wild-type (PMID:22644586). It is absent or not present at a significant frequency in gnomAD. In silico models predict that this variant is possibly or probably damaging. In conclusion, we classify GAA p.Gly576Arg (c.1726G>C) as a likely pathogenic variant.

Literature cited by the submitters: PubMed 33168984; PubMed 22644586.